The following is an entry in ClinVar:

ClinVar aggregate classification (germline): Pathogenic. Review status: criteria provided, single submitter (1 of 4 stars). 2 submissions from 2 submitters: Pathogenic (1). 1 of the submissions does not count toward it. Last evaluated 2022-08-28.

Conditions:
Mandibuloacral dysplasia with type B lipodystrophy (MADB). Also called: LIPODYSTROPHY, TYPE B, ASSOCIATED WITH MANDIBULOACRAL DYSPLASIA. Identifiers: Orphanet 2457, Orphanet 90154, MedGen C1837756, MONDO:0012074, OMIM 608612.

gnomAD v4.1: 1 of 1,613,700 alleles (0.000062%); highest among the groups gnomAD compares: South Asian, 0.0011%; no homozygotes.

Submissions (2):

Baylor Genetics
Classification: Pathogenic for Mandibuloacral dysplasia with type B lipodystrophy. Last evaluated: 2022-08-28. Review status: criteria provided, single submitter. Criteria: ACMG Guidelines, 2015. Collection method: clinical testing. Allele origin: unknown.

ZMPSTE24 homepage - Leiden Muscular Dystrophy pages
No classification provided. Review status: no classification provided. Collection method: not provided. Allele origin: germline. Not counted in ClinVar's aggregate classification.
Comment: has functional consequence

NM_005857.5(ZMPSTE24):c.691G>T (p.Glu231Ter)

Gene: ZMPSTE24 (zinc metallopeptidase STE24; plus strand). Cytogenetic location: 1p34.2.
Variant type: single nucleotide variant.
Coding change: c.691G>T on transcript NM_005857.5 (MANE Select); coding-DNA position 691, G replaced by T.
Protein change: p.Glu231Ter; replaces glutamic acid 231 with a stop codon.
Molecular consequence: nonsense.
Genome position (GRCh38, 1-based): chr1:40,271,957, G>T. VCF-style: chr1-40271957-G-T. GRCh37 (hg19) VCF-style: chr1-40737629-G-T.
Other names: c.691G>T (LRG_212t1); short protein forms E231*.
Identifiers: ClinVar variation 140536 (VCV000140536.2), dbSNP rs281875369, ClinGen allele CA232757.